The following is an entry in ClinVar:

NM_001040142.2(SCN2A):c.134A>T (p.Asp45Val)

Gene: SCN2A (sodium voltage-gated channel alpha subunit 2; plus strand). Cytogenetic location: 2q24.3.
Variant type: single nucleotide variant.
Coding change: c.134A>T on transcript NM_001040142.2 (MANE Select); coding-DNA position 134, A replaced by T.
Protein change: p.Asp45Val; replaces aspartic acid 45 with valine.
Molecular consequence: missense variant.
Genome position (GRCh38, 1-based): chr2:165,295,957, A>T. VCF-style: chr2-165295957-A-T. GRCh37 (hg19) VCF-style: chr2-166152467-A-T.
Other names: c.134A>T, p.Asp45Val (NM_001040143.2, NM_001371246.1, NM_001371247.1 and 1 more transcripts); short protein forms D45V.
Identifiers: ClinVar variation 567909 (VCV000567909.13), dbSNP rs748331725, ClinGen allele CA349010106.

ClinVar aggregate classification (germline): Uncertain significance. Review status: criteria provided, multiple submitters, no conflicts (2 of 4 stars). 2 submissions from 2 submitters: Uncertain significance (2). Last evaluated 2023-10-09.

Conditions:
Seizures, benign familial infantile, 3 (BFIS3). Also called: CONVULSIONS, BENIGN FAMILIAL INFANTILE, 3; Familial neonatal seizures. Identifiers: Orphanet 140927, Orphanet 306, MedGen C1843140, MONDO:0011904, OMIM 607745.
Developmental and epileptic encephalopathy, 11 (DEE11). Also called: Early infantile epileptic encephalopathy 11. Identifiers: Orphanet 1934, MedGen C3150987, MONDO:0013388, OMIM 613721.

Allele frequency attached by ClinVar (database versions not stated): TOPMed below 0.00001.

Submissions (2):

Labcorp Genetics (formerly Invitae), Labcorp
Classification: Uncertain significance for Seizures, benign familial infantile, 3; Developmental and epileptic encephalopathy, 11. Last evaluated: 2023-10-09. Review status: criteria provided, single submitter. Criteria: Invitae Variant Classification Sherloc (09022015). Collection method: clinical testing. Allele origin: germline.
Comment: This sequence change replaces aspartic acid, which is acidic and polar, with valine, which is neutral and non-polar, at codon 45 of the SCN2A protein (p.Asp45Val). This variant is not present in population databases (gnomAD no frequency). This variant has not been reported in the literature in individuals affected with SCN2A-related conditions. ClinVar contains an entry for this variant (Variation ID: 567909). Advanced modeling of protein sequence and biophysical properties (such as structural, functional, and spatial information, amino acid conservation, physicochemical variation, residue mobility, and thermodynamic stability) has been performed at Invitae for this missense variant, however the output from this modeling did not meet the statistical confidence thresholds required to predict the impact of this variant on SCN2A protein function. In summary, the available evidence is currently insufficient to determine the role of this variant in disease. Therefore, it has been classified as a Variant of Uncertain Significance.

GeneDx
Classification: Uncertain significance. Last evaluated: 2022-12-07. Review status: criteria provided, single submitter. Criteria: GeneDx Variant Classification Process June 2021. Collection method: clinical testing. Allele origin: germline. Affected: yes.
Comment: Not observed at significant frequency in large population cohorts (gnomAD); Missense variants in this gene are often considered pathogenic (HGMD); In silico analysis supports that this missense variant has a deleterious effect on protein structure/function; This substitution is predicted to be within the N-terminal cytoplasmic domain.; Has not been previously published as pathogenic or benign to our knowledge; This variant is associated with the following publications: (PMID: 24077912)